The following is an entry in ClinVar:

NM_019066.5(MAGEL2):c.1237C>A (p.Pro413Thr)

Gene: MAGEL2 (MAGE family member L2; minus strand). Cytogenetic location: 15q11.2.
Variant type: single nucleotide variant.
Coding change: c.1237C>A on transcript NM_019066.5 (MANE Select); coding-DNA position 1237, C replaced by A.
Protein change: p.Pro413Thr; replaces proline 413 with threonine.
Molecular consequence: missense variant.
Genome position (GRCh38, 1-based): chr15:23,646,506, G>T on the plus strand (C>A on the coding strand, the complement: MAGEL2 is on the minus strand). VCF-style: chr15-23646506-G-T. GRCh37 (hg19) VCF-style: chr15-23891653-G-T.
Other names: short protein forms P413T.
Identifiers: ClinVar variation 3542163 (VCV003542163.4).
Genomic context (GRCh38, chr15:23,646,506, plus strand): 5'-CCTGTCGCACCGGTGGTGGGCCAGGGCGGATGGGTGGTGGGCCAGGGCGGATGGGCGGGG[G>T]CCCCTGGCGCATGGGCGGCGGCACCTGCCAGGTAACGGCTGGTGCCTGCCAGGTGACCTG-3'
Protein context (NP_061939.3, residues 403-423): WQVPPPMRQG[Pro413Thr]PPIRPGPPPI

ClinVar aggregate classification (germline): Conflicting classifications of pathogenicity. Review status: criteria provided, conflicting classifications (1 of 4 stars). 2 submissions from 2 submitters: Uncertain significance (1); Likely benign (1). Last evaluated 2026-01-16.

Conditions:
Inborn genetic diseases. Identifiers: MedGen C0950123, MeSH D030342.

gnomAD v4.1: 4 of 1,459,474 alleles (0.00027%); highest among the groups gnomAD compares: Admixed American, 0.0052%; no homozygotes.

Submissions (2):

Ambry Genetics
Classification: Likely benign for Inborn genetic diseases. Last evaluated: 2026-01-16. Review status: criteria provided, single submitter. Criteria: Ambry Variant Classification Scheme 2023. Collection method: clinical testing. Allele origin: germline.

Labcorp Genetics (formerly Invitae), Labcorp
Classification: Uncertain significance. Last evaluated: 2024-09-01. Review status: criteria provided, single submitter. Criteria: Invitae Variant Classification Sherloc (09022015). Collection method: clinical testing. Allele origin: germline.
Comment: This sequence change replaces proline, which is neutral and non-polar, with threonine, which is neutral and polar, at codon 413 of the MAGEL2 protein (p.Pro413Thr). This variant is present in population databases (no rsID available, gnomAD 0.02%). This variant has not been reported in the literature in individuals affected with MAGEL2-related conditions. Experimental studies and prediction algorithms are not available or were not evaluated, and the functional significance of this variant is currently unknown. In summary, the available evidence is currently insufficient to determine the role of this variant in disease. Therefore, it has been classified as a Variant of Uncertain Significance.